The following is an entry in ClinVar:

NM_001843.4(CNTN1):c.269G>A (p.Arg90Gln)

Gene: CNTN1 (contactin 1; plus strand). Cytogenetic location: 12q12.
Variant type: single nucleotide variant.
Coding change: c.269G>A on transcript NM_001843.4 (MANE Select); coding-DNA position 269, G replaced by A.
Protein change: p.Arg90Gln; replaces arginine 90 with glutamine.
Molecular consequence: missense variant.
Genome position (GRCh38, 1-based): chr12:40,922,297, G>A. VCF-style: chr12-40922297-G-A. GRCh37 (hg19) VCF-style: chr12-41316099-G-A.
Other names: c.269G>A, p.Arg90Gln (NM_001256063.2, NM_001256064.2); c.236G>A, p.Arg79Gln (NM_175038.2); c.269G>A (NM_001843.3); short protein forms R90Q, R79Q.
Identifiers: ClinVar variation 1938036 (VCV001938036.6), dbSNP rs1945470904, ClinGen allele CA384421922.

ClinVar aggregate classification (germline): Uncertain significance. Review status: criteria provided, multiple submitters, no conflicts (2 of 4 stars). 2 submissions from 2 submitters: Uncertain significance (2). Last evaluated 2026-02-20.

Conditions:
Compton-North congenital myopathy (CMYO12). Identifiers: Orphanet 210163, MedGen C2675527, MONDO:0012929, OMIM 612540.

Allele frequency attached by ClinVar (database versions not stated): TOPMed below 0.00001; gnomAD 0.00001; gnomAD exomes 0.00001.
gnomAD v4.1: 13 of 1,613,780 alleles (0.00081%); highest among the groups gnomAD compares: South Asian, 0.0011%; no homozygotes.

Submissions (2):

GeneDx
Classification: Uncertain significance. Last evaluated: 2026-02-20. Review status: criteria provided, single submitter. Criteria: GeneDx Variant Classification Process June 2021. Collection method: clinical testing. Allele origin: germline.
Comment: Not observed at significant frequency in large population cohorts (gnomAD); In silico analysis suggests that this missense variant does not alter protein structure/function; Has not been previously published as pathogenic or benign to our knowledge

Labcorp Genetics (formerly Invitae), Labcorp
Classification: Uncertain significance for Compton-North congenital myopathy. Last evaluated: 2022-03-23. Review status: criteria provided, single submitter. Criteria: Invitae Variant Classification Sherloc (09022015). Collection method: clinical testing. Allele origin: germline.
Comment: This variant is not present in population databases (gnomAD no frequency). This sequence change replaces arginine, which is basic and polar, with glutamine, which is neutral and polar, at codon 90 of the CNTN1 protein (p.Arg90Gln). This variant has not been reported in the literature in individuals affected with CNTN1-related conditions. In summary, the available evidence is currently insufficient to determine the role of this variant in disease. Therefore, it has been classified as a Variant of Uncertain Significance. Advanced modeling of protein sequence and biophysical properties (such as structural, functional, and spatial information, amino acid conservation, physicochemical variation, residue mobility, and thermodynamic stability) performed at Invitae indicates that this missense variant is not expected to disrupt CNTN1 protein function.